The following is an entry in ClinVar:

NM_002016.2(FLG):c.9061G>T (p.Gly3021Ter)

Genes: FLG (filaggrin; minus strand), FLG-AS1 (FLG antisense RNA 1; plus strand). Cytogenetic location: 1q21.3.
Variant type: single nucleotide variant.
Coding change: c.9061G>T on transcript NM_002016.2 (MANE Select); coding-DNA position 9061, G replaced by T.
Protein change: p.Gly3021Ter; replaces glycine 3021 with a stop codon.
Molecular consequence: nonsense.
Genome position (GRCh38, 1-based): chr1:152,305,825, C>A on the plus strand (G>T on the coding strand, the complement: FLG is on the minus strand). VCF-style: chr1-152305825-C-A. GRCh37 (hg19) VCF-style: chr1-152278301-C-A.
Other names: short protein forms G3021*.
Identifiers: ClinVar variation 1212174 (VCV001212174.3), dbSNP rs1651921400, ClinGen allele CA342031202.

ClinVar aggregate classification (germline): Pathogenic (1 of 4 stars; one submission).

Submission:

GeneDx
Classification: Pathogenic. Last evaluated: 2021-01-06. Review status: criteria provided, single submitter. Criteria: GeneDx Variant Classification Process June 2021. Collection method: clinical testing. Allele origin: germline. Affected: yes.
Comment: Nonsense variant in the C-terminus predicted to result in protein truncation, as the last 1041 amino acids are lost, and other loss-of-function variants have been reported downstream in the Human Gene Mutation Database (Stenson et al., 2014); Not observed in large population cohorts (Lek et al., 2016); Has not been previously published as pathogenic or benign to our knowledge